The following is an entry in ClinVar:

ClinVar aggregate classification (germline): Uncertain significance. Review status: criteria provided, multiple submitters, no conflicts (2 of 4 stars). 2 submissions from 2 submitters: Uncertain significance (2). Last evaluated 2026-01-18.

Conditions:
Hereditary cancer-predisposing syndrome. Also called: Neoplastic Syndromes, Hereditary; Tumor predisposition; Hereditary Cancer Syndrome; Hereditary neoplastic syndrome. Identifiers: Orphanet 140162, MedGen C0027672, MeSH D009386, MONDO:0015356.

Allele frequency attached by ClinVar (database versions not stated): gnomAD 0.00001; gnomAD exomes 0.00001; TOPMed 0.00004.
gnomAD v4.1: 4 of 1,613,880 alleles (0.00025%); highest among the groups gnomAD compares: African/African-American, 0.0053%; no homozygotes.

Submissions (2):

Labcorp Genetics (formerly Invitae), Labcorp
Classification: Uncertain significance. Last evaluated: 2026-01-18. Review status: criteria provided, single submitter. Criteria: Invitae Variant Classification Sherloc (09022015). Collection method: clinical testing. Allele origin: germline.
Comment: This sequence change replaces proline, which is neutral and non-polar, with alanine, which is neutral and non-polar, at codon 2045 of the POLE protein (p.Pro2045Ala). This variant is present in population databases (no rsID available, gnomAD 0.01%). This variant has not been reported in the literature in individuals affected with POLE-related conditions. ClinVar contains an entry for this variant (Variation ID: 473784). Invitae Evidence Modeling of protein sequence and biophysical properties (such as structural, functional, and spatial information, amino acid conservation, physicochemical variation, residue mobility, and thermodynamic stability) indicates that this missense variant is not expected to disrupt POLE protein function with a negative predictive value of 80%. In summary, the available evidence is currently insufficient to determine the role of this variant in disease. Therefore, it has been classified as a Variant of Uncertain Significance.

Ambry Genetics
Classification: Uncertain significance for Hereditary cancer-predisposing syndrome. Last evaluated: 2023-09-29. Review status: criteria provided, single submitter. Criteria: Ambry Variant Classification Scheme 2023. Collection method: clinical testing. Allele origin: germline.
Comment: The p.P2045A variant (also known as c.6133C>G), located in coding exon 44 of the POLE gene, results from a C to G substitution at nucleotide position 6133. The proline at codon 2045 is replaced by alanine, an amino acid with highly similar properties. This amino acid position is conserved. In addition, the in silico prediction for this alteration is inconclusive. Since supporting evidence is limited at this time, the clinical significance of this alteration remains unclear.

NM_006231.4(POLE):c.6133C>G (p.Pro2045Ala)

Gene: POLE (DNA polymerase epsilon, catalytic subunit; minus strand). Cytogenetic location: 12q24.33.
Variant type: single nucleotide variant.
Coding change: c.6133C>G on transcript NM_006231.4 (MANE Select); coding-DNA position 6133, C replaced by G.
Protein change: p.Pro2045Ala; replaces proline 2045 with alanine.
Molecular consequence: missense variant.
Genome position (GRCh38, 1-based): chr12:132,632,667, G>C on the plus strand (C>G on the coding strand, the complement: POLE is on the minus strand). VCF-style: chr12-132632667-G-C. GRCh37 (hg19) VCF-style: chr12-133209253-G-C.
Other names: c.6133C>G (NM_006231.2); short protein forms P2045A.
Identifiers: ClinVar variation 473784 (VCV000473784.9), dbSNP rs910631094, ClinGen allele CA246293018.